The following is an entry in ClinVar:

NM_001161352.2(KCNMA1):c.3619C>A (p.His1207Asn)

Gene: KCNMA1 (potassium calcium-activated channel subfamily M alpha 1; minus strand). Cytogenetic location: 10q22.3.
Variant type: single nucleotide variant.
Coding change: c.3619C>A on transcript NM_001161352.2 (MANE Select); coding-DNA position 3619, C replaced by A.
Protein change: p.His1207Asn; replaces histidine 1207 with asparagine.
Molecular consequence: missense variant.
Genome position (GRCh38, 1-based): chr10:76,887,358, G>T on the plus strand (C>A on the coding strand, the complement: KCNMA1 is on the minus strand). VCF-style: chr10-76887358-G-T. GRCh37 (hg19) VCF-style: chr10-78647116-G-T.
Other names: c.3457C>A, p.His1153Asn (NM_001014797.3); c.3568C>A, p.His1190Asn (NM_001161353.2); c.3295C>A, p.His1099Asn (NM_001271518.2); c.3535C>A, p.His1179Asn (NM_001271519.2); c.3454C>A, p.His1152Asn (NM_001322829.2, NM_001322836.2); c.3547C>A, p.His1183Asn (NM_001322830.2); c.3445C>A, p.His1149Asn (NM_001322832.2, NM_002247.4); c.3538C>A, p.His1180Asn (NM_001322835.2, NM_001322837.2); and 1 more; short protein forms H1099N, H1149N, H1152N, H1153N, H1179N, H1180N, H1183N, H1190N.
Identifiers: ClinVar variation 1327422 (VCV001327422.4), dbSNP rs1476399505, ClinGen allele CA377402632.

ClinVar aggregate classification (germline): Uncertain significance. Review status: criteria provided, single submitter (1 of 4 stars). 2 submissions from 2 submitters: Uncertain significance (1). 1 of the submissions does not count toward it. Last evaluated 2024-01-17.

Conditions:
Generalized epilepsy-paroxysmal dyskinesia syndrome (PNKD3). Also called: Generalized epilepsy and paroxysmal dyskinesia; Paroxysmal nonkinesigenic dyskinesia, 3, with or without generalized epilepsy. Identifiers: Orphanet 79137, MedGen C5574945, MONDO:0012276, OMIM 609446.
Global developmental delay (DD). Also called: Cognitive delay. Identifiers: MedGen C0557874, HP:0001263. Disease mechanism: loss of function.
Hypotonia. Also called: Muscular hypotonia; poor muscle tone. Identifiers: MedGen C0026827, HP:0001252.

gnomAD v4.1: 2 of 1,614,100 alleles (0.00012%); highest among the groups gnomAD compares: Non-Finnish European, 0.00017%; no homozygotes.

Submissions (2):

Labcorp Genetics (formerly Invitae), Labcorp
Classification: Uncertain significance for Generalized epilepsy-paroxysmal dyskinesia syndrome. Last evaluated: 2024-01-17. Review status: criteria provided, single submitter. Criteria: Invitae Variant Classification Sherloc (09022015). Collection method: clinical testing. Allele origin: germline.
Comment: This sequence change replaces histidine, which is basic and polar, with asparagine, which is neutral and polar, at codon 1149 of the KCNMA1 protein (p.His1149Asn). This variant is not present in population databases (gnomAD no frequency). This variant has not been reported in the literature in individuals affected with KCNMA1-related conditions. ClinVar contains an entry for this variant (Variation ID: 1327422). An algorithm developed to predict the effect of missense changes on protein structure and function (PolyPhen-2) suggests that this variant is likely to be tolerated. In summary, the available evidence is currently insufficient to determine the role of this variant in disease. Therefore, it has been classified as a Variant of Uncertain Significance.

Institute of Human Genetics, University of Wuerzburg
Classification: Uncertain significance for Global developmental delay; Hypotonia. Review status: no assertion criteria provided. Collection method: clinical testing. Allele origin: unknown. Not counted in ClinVar's aggregate classification.